The following is an entry in ClinVar:

ClinVar aggregate classification (germline): Uncertain significance (1 of 4 stars; one submission).

Submission:

CeGaT Center for Human Genetics Tuebingen
Classification: Uncertain significance. Last evaluated: 2023-03-01. Review status: criteria provided, single submitter. Criteria: CeGaT Center For Human Genetics Tuebingen Variant Classification Criteria Version 2. Collection method: clinical testing. Allele origin: germline. Affected: yes. Observed: 1 variant allele.
Comment: RASA2: PM2, BP4

NM_006506.5(RASA2):c.840A>T (p.Arg280Ser)

Gene: RASA2 (RAS p21 protein activator 2; plus strand). Cytogenetic location: 3q23.
Variant type: single nucleotide variant.
Coding change: c.840A>T on transcript NM_006506.5 (MANE Select); coding-DNA position 840, A replaced by T.
Protein change: p.Arg280Ser; replaces arginine 280 with serine.
Molecular consequence: missense variant.
Genome position (GRCh38, 1-based): chr3:141,559,972, A>T. VCF-style: chr3-141559972-A-T. GRCh37 (hg19) VCF-style: chr3-141278814-A-T.
Other names: c.840A>T, p.Arg280Ser (NM_001303245.3, NM_001303246.3); short protein forms R280S.
Identifiers: ClinVar variation 2654199 (VCV002654199.24), dbSNP rs1455561428, ClinGen allele CA354773144.